The following is an entry in ClinVar:

ClinVar aggregate classification (germline): Conflicting classifications of pathogenicity. Review status: criteria provided, conflicting classifications (1 of 4 stars). 5 submissions from 5 submitters: Uncertain significance (4); Likely benign (1). Last evaluated 2026-01-06.

Conditions:
DICER1-related tumor predisposition. Also called: DICER1 syndrome; DICER1-related pleuropulmonary blastoma cancer predisposition syndrome. Identifiers: Orphanet 284343, MedGen C3839822, MONDO:0100216.
Global developmental delay - lung cysts - overgrowth - Wilms tumor syndrome. Also called: GLOW Syndrome; GLOBAL DEVELOPMENTAL DELAY, LUNG CYSTS, OVERGROWTH, AND WILMS TUMOR. Identifiers: Orphanet 404476, MedGen C4748924, MONDO:0018445, OMIM 618272.
Hereditary cancer-predisposing syndrome. Also called: Tumor predisposition; Hereditary neoplastic syndrome; Neoplastic Syndromes, Hereditary; Hereditary Cancer Syndrome. Identifiers: Orphanet 140162, MedGen C0027672, MeSH D009386, MONDO:0015356.
Anophthalmia-microphthalmia syndrome. Also called: Anophthalmia/Microphthalmia; Anophthalmia - microphthalmia. Identifiers: Orphanet 98555, MedGen C5680330, MONDO:0020147.

Allele frequency attached by ClinVar (database versions not stated): gnomAD exomes below 0.00001; TOPMed below 0.00001.
gnomAD v4.1: 1 of 1,614,170 alleles (0.000062%); highest among the groups gnomAD compares: Non-Finnish European, 0.000085%; no homozygotes.

Submissions (5):

Labcorp Genetics (formerly Invitae), Labcorp
Classification: Uncertain significance for DICER1-related tumor predisposition. Last evaluated: 2026-01-06. Review status: criteria provided, single submitter. Criteria: Invitae Variant Classification Sherloc (09022015). Collection method: clinical testing. Allele origin: germline.
Comment: This sequence change replaces glutamic acid, which is acidic and polar, with lysine, which is basic and polar, at codon 731 of the DICER1 protein (p.Glu731Lys). This variant is not present in population databases (gnomAD no frequency). This variant has not been reported in the literature in individuals affected with DICER1-related conditions. ClinVar contains an entry for this variant (Variation ID: 221950). Invitae Evidence Modeling of protein sequence and biophysical properties (such as structural, functional, and spatial information, amino acid conservation, physicochemical variation, residue mobility, and thermodynamic stability) indicates that this missense variant is not expected to disrupt DICER1 protein function with a negative predictive value of 95%. In summary, the available evidence is currently insufficient to determine the role of this variant in disease. Therefore, it has been classified as a Variant of Uncertain Significance.

Ambry Genetics
Classification: Uncertain significance for Hereditary cancer-predisposing syndrome. Last evaluated: 2023-11-30. Review status: criteria provided, single submitter. Criteria: Ambry Variant Classification Scheme 2023. Collection method: clinical testing. Allele origin: germline.
Comment: The p.E731K variant (also known as c.2191G>A), located in coding exon 13 of the DICER1 gene, results from a G to A substitution at nucleotide position 2191. The glutamic acid at codon 731 is replaced by lysine, an amino acid with similar properties. This amino acid position is highly conserved in available vertebrate species. In addition, the in silico prediction for this alteration is inconclusive. Since supporting evidence is limited at this time, the clinical significance of this alteration remains unclear.

Baylor Genetics
Classification: Uncertain significance for Global developmental delay - lung cysts - overgrowth - Wilms tumor syndrome. Last evaluated: 2023-06-21. Review status: criteria provided, single submitter. Criteria: ACMG Guidelines, 2015. Collection method: clinical testing. Allele origin: unknown.

GeneDx
Classification: Uncertain significance. Last evaluated: 2022-12-14. Review status: criteria provided, single submitter. Criteria: GeneDx Variant Classification Process June 2021. Collection method: clinical testing. Allele origin: germline. Affected: yes.
Comment: Not observed at significant frequency in large population cohorts (gnomAD); In silico analysis supports that this missense variant does not alter protein structure/function; Observed in an individual with sporadic ocular developmental anomalies (ODA) (Chassaing et al., 2016); This variant is associated with the following publications: (PMID: 26893459)

Paul Sabatier University EA-4555, Paul Sabatier University
Classification: Likely benign. Last evaluated: 2013-01-01. Review status: criteria provided, single submitter. Criteria: Chassaing et al. (Genome Res. 2016). Collection method: clinical testing. Allele origin: unknown. Affected: yes. Observed: 1 heterozygote.

NM_177438.3(DICER1):c.2191G>A (p.Glu731Lys)

Gene: DICER1 (dicer 1, ribonuclease III; minus strand). Cytogenetic location: 14q32.13.
Variant type: single nucleotide variant.
Coding change: c.2191G>A on transcript NM_177438.3 (MANE Select); coding-DNA position 2191, G replaced by A.
Protein change: p.Glu731Lys; replaces glutamic acid 731 with lysine.
Molecular consequence: missense variant.
Genome position (GRCh38, 1-based): chr14:95,111,382, C>T on the plus strand (G>A on the coding strand, the complement: DICER1 is on the minus strand). VCF-style: chr14-95111382-C-T. GRCh37 (hg19) VCF-style: chr14-95577719-C-T.
Other names: c.2191G>A, p.Glu731Lys (NM_001195573.1, NM_001271282.3, NM_001291628.2 and 1 more transcripts); short protein forms E731K.
Identifiers: ClinVar variation 221950 (VCV000221950.15), dbSNP rs869025262, ClinGen allele CA351599.